The following is an entry in ClinVar:

NM_003480.4(MFAP5):c.327C>T (p.Cys109=)

Gene: MFAP5 (microfibril associated protein 5; minus strand). Cytogenetic location: 12p13.31.
Variant type: single nucleotide variant.
Coding change: c.327C>T on transcript NM_003480.4 (MANE Select); coding-DNA position 327, C replaced by T.
Protein change: p.Cys109=; no amino-acid change (cysteine 109 retained).
Molecular consequence: synonymous variant. On other transcripts: non-coding transcript variant (2), intron variant (1).
Genome position (GRCh38, 1-based): chr12:8,650,510, G>A on the plus strand (C>T on the coding strand, the complement: MFAP5 is on the minus strand). VCF-style: chr12-8650510-G-A. GRCh37 (hg19) VCF-style: chr12-8803106-G-A.
Other names: c.297C>T, p.Cys99= (NM_001297709.2); c.261C>T, p.Cys87= (NM_001297710.2); c.252C>T, p.Cys84= (NM_001297711.2); c.218-2307C>T (NM_001297712.2).
Identifiers: ClinVar variation 513528 (VCV000513528.3), dbSNP rs1390332398, ClinGen allele CA478466389.

ClinVar aggregate classification (germline): Likely benign. Review status: criteria provided, multiple submitters, no conflicts (2 of 4 stars). 2 submissions from 2 submitters: Likely benign (2). Last evaluated 2024-02-05.

Allele frequency attached by ClinVar (database versions not stated): gnomAD exomes below 0.00001 and 0.00001.
gnomAD v4.1: 4 of 1,613,972 alleles (0.00025%); highest among the groups gnomAD compares: Non-Finnish European, 0.00034%; no homozygotes.

Submissions (2):

Labcorp Genetics (formerly Invitae), Labcorp
Classification: Likely benign. Last evaluated: 2024-02-05. Review status: criteria provided, single submitter. Criteria: Invitae Variant Classification Sherloc (09022015). Collection method: clinical testing. Allele origin: germline.

GeneDx
Classification: Likely benign. Last evaluated: 2017-11-28. Review status: criteria provided, single submitter. Criteria: GeneDx Variant Classification (06012015). Collection method: clinical testing. Allele origin: germline. Affected: yes.
Comment: This variant is considered likely benign or benign based on one or more of the following criteria: it is a conservative change, it occurs at a poorly conserved position in the protein, it is predicted to be benign by multiple in silico algorithms, and/or has population frequency not consistent with disease.